The following is an entry in ClinVar:

NM_001127208.3(TET2):c.506A>G (p.His169Arg)

Genes: TET2 (tet methylcytosine dioxygenase 2; plus strand), TET2-AS1 (TET2 antisense RNA 1; minus strand). Cytogenetic location: 4q24.
Variant type: single nucleotide variant.
Coding change: c.506A>G on transcript NM_001127208.3 (MANE Select); coding-DNA position 506, A replaced by G.
Protein change: p.His169Arg; replaces histidine 169 with arginine.
Molecular consequence: missense variant.
Genome position (GRCh38, 1-based): chr4:105,234,448, A>G. VCF-style: chr4-105234448-A-G. GRCh37 (hg19) VCF-style: chr4-106155605-A-G.
Other names: c.506A>G, p.His169Arg (NM_017628.4); short protein forms H169R.
Identifiers: ClinVar variation 3805848 (VCV003805848.1).

ClinVar aggregate classification (germline): Uncertain significance (1 of 4 stars; one submission).

gnomAD v4.1: 4 of 1,614,004 alleles (0.00025%); highest among the groups gnomAD compares: Admixed American, 0.0017%; no homozygotes.

Submission:

Ambry Genetics
Classification: Uncertain significance. Last evaluated: 2024-12-12. Review status: criteria provided, single submitter. Criteria: Ambry Variant Classification Scheme 2023. Collection method: clinical testing. Allele origin: germline.
Comment: The p.H169R variant (also known as c.506A>G), located in coding exon 1 of the TET2 gene, results from an A to G substitution at nucleotide position 506. The histidine at codon 169 is replaced by arginine, an amino acid with highly similar properties. This amino acid position is conserved. In addition, this alteration is predicted to be tolerated by in silico analysis. Based on the available evidence, the clinical significance of this variant remains unclear.